The following is an entry in ClinVar:

ClinVar aggregate classification (germline): Pathogenic (1 of 4 stars; one submission).

Conditions:
Hypertrophic cardiomyopathy. Also called: HYPERTROPHIC MYOCARDIOPATHY. Identifiers: Orphanet 217569, MedGen C0007194, MeSH D002312, MONDO:0005045, HP:0001639.

Submission:

Labcorp Genetics (formerly Invitae), Labcorp
Classification: Pathogenic for Hypertrophic cardiomyopathy. Last evaluated: 2024-01-29. Review status: criteria provided, single submitter. Criteria: Invitae Variant Classification Sherloc (09022015). Collection method: clinical testing. Allele origin: germline.
Comment: This sequence change replaces methionine, which is neutral and non-polar, with arginine, which is basic and polar, at codon 515 of the MYH7 protein (p.Met515Arg). This variant is not present in population databases (gnomAD no frequency). This missense change has been observed in individuals with hypertrophic cardiomyopathy (PMID: 15358028; Invitae). ClinVar contains an entry for this variant (Variation ID: 407187). Advanced modeling of protein sequence and biophysical properties (such as structural, functional, and spatial information, amino acid conservation, physicochemical variation, residue mobility, and thermodynamic stability) performed at Invitae indicates that this missense variant is expected to disrupt MYH7 protein function with a positive predictive value of 95%. This variant disrupts the p.Met515 amino acid residue in MYH7. Other variant(s) that disrupt this residue have been determined to be pathogenic (Invitae). This suggests that this residue is clinically significant, and that variants that disrupt this residue are likely to be disease-causing. For these reasons, this variant has been classified as Pathogenic.

Literature cited by the submitters: PubMed 15358028.

NM_000257.4(MYH7):c.1544T>G (p.Met515Arg)

Gene: MYH7 (myosin heavy chain 7; minus strand). Cytogenetic location: 14q11.2.
Variant type: single nucleotide variant.
Coding change: c.1544T>G on transcript NM_000257.4 (MANE Select); coding-DNA position 1544, T replaced by G.
Protein change: p.Met515Arg; replaces methionine 515 with arginine.
Molecular consequence: missense variant.
Genome position (GRCh38, 1-based): chr14:23,428,534, A>C on the plus strand (T>G on the coding strand, the complement: MYH7 is on the minus strand). VCF-style: chr14-23428534-A-C. GRCh37 (hg19) VCF-style: chr14-23897743-A-C.
Other names: short protein forms M515R.
Identifiers: ClinVar variation 407187 (VCV000407187.8), dbSNP rs863224900, ClinGen allele CA16614164.